The following is an entry in ClinVar:

NM_019892.6(INPP5E):c.1045G>A (p.Glu349Lys)

Gene: INPP5E (inositol polyphosphate-5-phosphatase E; minus strand). Cytogenetic location: 9q34.3.
Variant type: single nucleotide variant.
Coding change: c.1045G>A on transcript NM_019892.6 (MANE Select); coding-DNA position 1045, G replaced by A.
Protein change: p.Glu349Lys; replaces glutamic acid 349 with lysine.
Molecular consequence: missense variant.
Genome position (GRCh38, 1-based): chr9:136,433,269, C>T on the plus strand (G>A on the coding strand, the complement: INPP5E is on the minus strand). VCF-style: chr9-136433269-C-T. GRCh37 (hg19) VCF-style: chr9-139327721-C-T.
Other names: c.1045G>A, p.Glu349Lys (NM_001318502.2); short protein forms E349K.
Identifiers: ClinVar variation 1380398 (VCV001380398.6), dbSNP rs2131609390, ClinGen allele CA375564557.

ClinVar aggregate classification (germline): Uncertain significance (1 of 4 stars; one submission).

Conditions:
Joubert syndrome. Also called: CEREBELLOPARENCHYMAL DISORDER IV; JOUBERT-BOLTSHAUSER SYNDROME; Familial aplasia of the vermis. Identifiers: Orphanet 475, MedGen C5979921, MONDO:0018772.

Submission:

Labcorp Genetics (formerly Invitae), Labcorp
Classification: Uncertain significance for Joubert syndrome. Last evaluated: 2022-11-22. Review status: criteria provided, single submitter. Criteria: Invitae Variant Classification Sherloc (09022015). Collection method: clinical testing. Allele origin: germline.
Comment: This sequence change replaces glutamic acid, which is acidic and polar, with lysine, which is basic and polar, at codon 349 of the INPP5E protein (p.Glu349Lys). This variant is not present in population databases (gnomAD no frequency). In summary, the available evidence is currently insufficient to determine the role of this variant in disease. Therefore, it has been classified as a Variant of Uncertain Significance. Advanced modeling of protein sequence and biophysical properties (such as structural, functional, and spatial information, amino acid conservation, physicochemical variation, residue mobility, and thermodynamic stability) performed at Invitae indicates that this missense variant is expected to disrupt INPP5E protein function. ClinVar contains an entry for this variant (Variation ID: 1380398). This missense change has been observed in individual(s) with retinitis pigmentosa (Invitae).